The following is an entry in ClinVar:

ClinVar aggregate classification (germline): Uncertain significance (1 of 4 stars; one submission).

Allele frequency attached by ClinVar (database versions not stated): gnomAD exomes below 0.00001.
gnomAD v4.1: 4 of 1,613,594 alleles (0.00025%); highest among the groups gnomAD compares: African/African-American, 0.0027%; no homozygotes.

Submission:

Labcorp Genetics (formerly Invitae), Labcorp
Classification: Uncertain significance. Last evaluated: 2023-08-04. Review status: criteria provided, single submitter. Criteria: Invitae Variant Classification Sherloc (09022015). Collection method: clinical testing. Allele origin: germline.
Comment: This variant has not been reported in the literature in individuals affected with EMC1-related conditions. This sequence change falls in intron 8 of the EMC1 gene. It does not directly change the encoded amino acid sequence of the EMC1 protein. This variant is present in population databases (no rsID available, gnomAD 0.007%). Algorithms developed to predict the effect of sequence changes on RNA splicing suggest that this variant may disrupt the consensus splice site. In summary, the available evidence is currently insufficient to determine the role of this variant in disease. Therefore, it has been classified as a Variant of Uncertain Significance.

NM_015047.3(EMC1):c.954+8C>T

Genes: EMC1 (ER membrane protein complex subunit 1; minus strand), EMC1-AS1 (EMC1 antisense RNA 1; plus strand). Cytogenetic location: 1p36.13.
Variant type: single nucleotide variant.
Coding change: c.954+8C>T on transcript NM_015047.3 (MANE Select); 8 bases into the intron after coding-DNA position 954, C replaced by T.
Molecular consequence: intron variant.
Genome position (GRCh38, 1-based): chr1:19,239,810, G>A on the plus strand (C>T on the coding strand, the complement: EMC1 is on the minus strand). VCF-style: chr1-19239810-G-A. GRCh37 (hg19) VCF-style: chr1-19566304-G-A.
Other names: c.888+8C>T (NM_001271429.2); c.954+8C>T (NM_001271427.2, NM_001375821.1, NM_001271428.2 and 1 more transcripts).
Identifiers: ClinVar variation 2801878 (VCV002801878.3), dbSNP rs1331384007, ClinGen allele CA521516919.